The following is an entry in ClinVar:

ClinVar aggregate classification (germline): Uncertain significance. Review status: criteria provided, multiple submitters, no conflicts (2 of 4 stars). 2 submissions from 2 submitters: Uncertain significance (2). Last evaluated 2025-08-08.

Conditions:
Inborn genetic diseases. Identifiers: MedGen C0950123, MeSH D030342.

Allele frequency attached by ClinVar (database versions not stated): gnomAD exomes below 0.00001; gnomAD 0.00001; TOPMed 0.00003.
gnomAD v4.1: 3 of 1,613,162 alleles (0.00019%); highest among the groups gnomAD compares: African/African-American, 0.004%; no homozygotes.

Submissions (2):

Ambry Genetics
Classification: Uncertain significance for Inborn genetic diseases. Last evaluated: 2025-08-08. Review status: criteria provided, single submitter. Criteria: Ambry Variant Classification Scheme 2023. Collection method: clinical testing. Allele origin: germline.

GeneDx
Classification: Uncertain significance. Last evaluated: 2023-04-03. Review status: criteria provided, single submitter. Criteria: GeneDx Variant Classification Process June 2021. Collection method: clinical testing. Allele origin: germline. Affected: yes.
Comment: Not observed at significant frequency in large population cohorts (gnomAD); In silico analysis supports that this missense variant does not alter protein structure/function; Has not been previously published as pathogenic or benign to our knowledge

NM_005419.4(STAT2):c.1182G>C (p.Gln394His)

Gene: STAT2 (signal transducer and activator of transcription 2; minus strand). Cytogenetic location: 12q13.3.
Variant type: single nucleotide variant.
Coding change: c.1182G>C on transcript NM_005419.4 (MANE Select); coding-DNA position 1182, G replaced by C.
Protein change: p.Gln394His; replaces glutamine 394 with histidine.
Molecular consequence: missense variant.
Genome position (GRCh38, 1-based): chr12:56,350,124, C>G on the plus strand (G>C on the coding strand, the complement: STAT2 is on the minus strand). VCF-style: chr12-56350124-C-G. GRCh37 (hg19) VCF-style: chr12-56743908-C-G.
Other names: c.1149G>C, p.Gln383His (NM_001385110.1); c.1182G>C, p.Gln394His (NM_001385111.1, NM_001385113.1); c.1161G>C, p.Gln387His (NM_001385114.1); c.1170G>C, p.Gln390His (NM_001385115.1, NM_198332.2); short protein forms Q383H, Q387H, Q390H, Q394H.
Identifiers: ClinVar variation 2662412 (VCV002662412.2), dbSNP rs1878222306, ClinGen allele CA385261603.